The following is an entry in ClinVar:

ClinVar aggregate classification (germline): Uncertain significance (1 of 4 stars; one submission).

gnomAD v4.1: 3 of 1,613,762 alleles (0.00019%); highest among the groups gnomAD compares: Admixed American, 0.0017%; no homozygotes.

Submission:

GeneDx
Classification: Uncertain significance. Last evaluated: 2023-11-15. Review status: criteria provided, single submitter. Criteria: GeneDx Variant Classification Process June 2021. Collection method: clinical testing. Allele origin: germline. Affected: yes.
Comment: Not observed at significant frequency in large population cohorts (gnomAD); In silico analysis supports that this missense variant does not alter protein structure/function; Has not been previously published as pathogenic or benign to our knowledge

NM_001378964.1(CDON):c.1834T>C (p.Phe612Leu)

Gene: CDON (cell adhesion associated, oncogene regulated; minus strand). Cytogenetic location: 11q24.2.
Variant type: single nucleotide variant.
Coding change: c.1834T>C on transcript NM_001378964.1 (MANE Select); coding-DNA position 1834, T replaced by C.
Protein change: p.Phe612Leu; replaces phenylalanine 612 with leucine.
Molecular consequence: missense variant.
Genome position (GRCh38, 1-based): chr11:126,005,776, A>G on the plus strand (T>C on the coding strand, the complement: CDON is on the minus strand). VCF-style: chr11-126005776-A-G. GRCh37 (hg19) VCF-style: chr11-125875671-A-G.
Other names: c.1834T>C, p.Phe612Leu (NM_001243597.3, NM_016952.6); short protein forms F612L.
Identifiers: ClinVar variation 3364260 (VCV003364260.1).